The following is an entry in ClinVar:

NM_000540.3(RYR1):c.561G>A (p.Glu187=)

Gene: RYR1 (ryanodine receptor 1; plus strand). Cytogenetic location: 19q13.2.
Variant type: single nucleotide variant.
Coding change: c.561G>A on transcript NM_000540.3 (MANE Select); coding-DNA position 561, G replaced by A.
Protein change: p.Glu187=; no amino-acid change (glutamic acid 187 retained).
Molecular consequence: synonymous variant.
Genome position (GRCh38, 1-based): chr19:38,444,607, G>A. VCF-style: chr19-38444607-G-A. GRCh37 (hg19) VCF-style: chr19-38935247-G-A.
Other names: c.561G>A, p.Glu187= (NM_001042723.2).
Identifiers: ClinVar variation 1110240 (VCV001110240.43), dbSNP rs1016333794, ClinGen allele CA308112491.

ClinVar aggregate classification (germline): Likely benign. Review status: criteria provided, multiple submitters, no conflicts (2 of 4 stars). 3 submissions from 3 submitters: Likely benign (3). Last evaluated 2024-07-06.

Conditions:
RYR1-related disorder. Also called: RYR1-related condition; RYR1-related disorders. Identifiers: MedGen CN239331.
Malignant hyperthermia, susceptibility to, 1 (MHS1). Also called: RYR1-Related Malignant Hyperthermia Susceptibility; Anesthesia related hyperthermia; Malignant hyperpyrexia; Fulminating hyperpyrexia; Pharmacogenic myopathy; Malignant hyperthermia suceptibility 1. Identifiers: Orphanet 423, MedGen C2930980, MONDO:0007783, OMIM 145600.

Allele frequency attached by ClinVar (database versions not stated): gnomAD exomes below 0.00001.
gnomAD v4.1: 5 of 1,614,002 alleles (0.00031%); highest among the groups gnomAD compares: East Asian, 0.0022%; no homozygotes.

Submissions (3):

Labcorp Genetics (formerly Invitae), Labcorp
Classification: Likely benign for RYR1-related disorder. Last evaluated: 2024-07-06. Review status: criteria provided, single submitter. Criteria: Invitae Variant Classification Sherloc (09022015). Collection method: clinical testing. Allele origin: germline.

All of Us Research Program, National Institutes of Health
Classification: Likely benign for Malignant hyperthermia, susceptibility to, 1. Last evaluated: 2023-12-13. Review status: criteria provided, single submitter. Criteria: ACMG Guidelines, 2015. Collection method: clinical testing. Allele origin: germline. Inheritance: Autosomal dominant inheritance. Observed: 1 variant allele, 1 heterozygote.
Comment: This study involves interpretation of variants in research participants for the purpose of population health screening. Participant phenotype was not available at the time of variant classification. Additional details can be found in publication PMID: 35346344, PMCID: PMC8962531

CeGaT Center for Human Genetics Tuebingen
Classification: Likely benign. Last evaluated: 2021-11-01. Review status: criteria provided, single submitter. Criteria: CeGaT Center For Human Genetics Tuebingen Variant Classification Criteria Version 2. Collection method: clinical testing. Allele origin: germline. Affected: yes. Observed: 1 variant allele.